The following is an entry in ClinVar:

NM_001009944.3(PKD1):c.12176C>T (p.Ala4059Val)

Gene: PKD1 (polycystin 1, transient receptor potential channel interacting; minus strand). Cytogenetic location: 16p13.3.
Variant type: single nucleotide variant.
Coding change: c.12176C>T on transcript NM_001009944.3 (MANE Select); coding-DNA position 12176, C replaced by T.
Protein change: p.Ala4059Val; replaces alanine 4059 with valine.
Molecular consequence: missense variant.
Genome position (GRCh38, 1-based): chr16:2,090,553, G>A on the plus strand (C>T on the coding strand, the complement: PKD1 is on the minus strand). VCF-style: chr16-2090553-G-A. GRCh37 (hg19) VCF-style: chr16-2140554-G-A.
Other names: c.12173C>T, p.Ala4058Val (NM_000296.4); short protein forms A4059V, A4058V.
Identifiers: ClinVar variation 256915 (VCV000256915.20), dbSNP rs3209986, ClinGen allele CA7828737.

ClinVar aggregate classification (germline): Benign/Likely benign. Review status: criteria provided, multiple submitters, no conflicts (2 of 4 stars). 10 submissions from 10 submitters: Benign (8); Likely benign (1). 1 of the submissions does not count toward it. Last evaluated 2025-05-02.

Conditions:
Autosomal dominant polycystic kidney disease. Identifiers: Orphanet 730, MedGen C0085413, MONDO:0004691.
Polycystic kidney disease, adult type (PKD1). Also called: Polycystic Kidney, Autosomal Dominant; Polycystic Kidney Disease 1, Autosomal Dominant; Polycystic kidney disease 1; Polycystic kidney disease 1, severe; POLYCYSTIC KIDNEY DISEASE 1 WITH OR WITHOUT POLYCYSTIC LIVER DISEASE; POLYCYSTIC KIDNEY DISEASE, ADULT, TYPE I. Identifiers: MedGen C3149841, MONDO:0008263, OMIM 173900.
Polycystic kidney disease. Also called: Polycystic kidney dysplasia; Kidney, Polycystic. Identifiers: MedGen C0022680, MeSH D007690, MONDO:0020642, HP:0000113.

Allele frequency attached by ClinVar (database versions not stated): 1000 Genomes Project 30x 0.03420; 1000 Genomes Project 0.03654; TOPMed 0.04645; gnomAD 0.05767 and 0.05783; ESP Exome Variant Server 0.05818; ExAC 0.06848.
gnomAD v4.1: 115,095 of 1,609,152 alleles (7.2%); highest among the groups gnomAD compares: Non-Finnish European, 7.7%; 4,643 homozygotes.

Submissions (10):

Women's Health and Genetics/Laboratory Corporation of America, LabCorp
Classification: Likely benign. Last evaluated: 2025-05-02. Review status: criteria provided, single submitter. Criteria: LabCorp Variant Classification Summary - May 2015. Collection method: clinical testing. Allele origin: germline.

Blueprint Genetics
Classification: Benign. Last evaluated: 2024-11-27. Review status: criteria provided, single submitter. Criteria: ACMG Guidelines, 2015. Collection method: clinical testing. Allele origin: germline.

Mayo Clinic Laboratories, Mayo Clinic
Classification: Benign. Last evaluated: 2022-03-09. Review status: criteria provided, single submitter. Criteria: ACMG Guidelines, 2015. Collection method: clinical testing. Allele origin: germline. Observed: 44 variant alleles.

ARUP Laboratories, Molecular Genetics and Genomics, ARUP Laboratories
Classification: Benign for Polycystic kidney disease, adult type. Last evaluated: 2020-04-22. Review status: criteria provided, single submitter. Criteria: ARUP Molecular Germline Variant Investigation Process. Collection method: clinical testing. Allele origin: germline.

GeneDx
Classification: Benign. Last evaluated: 2019-08-29. Review status: criteria provided, single submitter. Criteria: GeneDx Variant Classification Process June 2021. Collection method: clinical testing. Allele origin: germline. Affected: yes.

Molecular Genetics of Inherited Kidney Disorders Laboratory, Garvan Institute of Medical Research
Classification: Benign for Autosomal dominant polycystic kidney disease. Last evaluated: 2019-01-01. Review status: criteria provided, single submitter. Criteria: ACMG Guidelines, 2015. Collection method: research. Allele origin: germline. Affected: yes.

Athena Diagnostics
Classification: Benign for Polycystic kidney disease, adult type. Last evaluated: 2017-05-25. Review status: criteria provided, single submitter. Criteria: Athena Diagnostics Criteria. Collection method: clinical testing. Allele origin: germline.

Breakthrough Genomics
Classification: Benign. Review status: criteria provided, single submitter. Criteria: ACMG Guidelines, 2015. Collection method: not provided. Allele origin: germline. Inheritance: Autosomal dominant inheritance. Affected: yes.

PreventionGenetics, part of Exact Sciences
Classification: Benign. Review status: criteria provided, single submitter. Criteria: ACMG Guidelines, 2015. Collection method: clinical testing. Allele origin: germline.

Department of Pathology and Laboratory Medicine, Sinai Health System
Classification: Benign for Polycystic Kidney disease. Review status: no assertion criteria provided. Collection method: clinical testing. Allele origin: unknown. Affected: yes. Observed: 1 variant allele. Study: The Canadian Open Genetics Repository (COGR). Not counted in ClinVar's aggregate classification.
Comment: The c.12176C>T, p.Ala4059Val variant was identified in 6.84 % of 7606 control alleles in the Exome Aggregation Consortium (March 14, 2016). According to ACMG guidelines for variant classification based on allele frequency, category BA1, this variant is considered benign and has not been further reviewed (Richards 2015).